The following is an entry in ClinVar:

NM_001371904.1(APOA5):c.836A>T (p.Glu279Val)

Gene: APOA5 (apolipoprotein A5; minus strand). Cytogenetic location: 11q23.3.
Variant type: single nucleotide variant.
Coding change: c.836A>T on transcript NM_001371904.1 (MANE Select); coding-DNA position 836, A replaced by T.
Protein change: p.Glu279Val; replaces glutamic acid 279 with valine.
Molecular consequence: missense variant.
Genome position (GRCh38, 1-based): chr11:116,790,393, T>A on the plus strand (A>T on the coding strand, the complement: APOA5 is on the minus strand). VCF-style: chr11-116790393-T-A. GRCh37 (hg19) VCF-style: chr11-116661109-T-A.
Other names: c.836A>T, p.Glu279Val (NM_001166598.2, NM_052968.5); short protein forms E279V.
Identifiers: ClinVar variation 4754879 (VCV004754879.1).

ClinVar aggregate classification (germline): Uncertain significance (1 of 4 stars; one submission).

Submission:

Labcorp Genetics (formerly Invitae), Labcorp
Classification: Uncertain significance. Last evaluated: 2026-01-11. Review status: criteria provided, single submitter. Criteria: Invitae Variant Classification Sherloc (09022015). Collection method: clinical testing. Allele origin: germline.
Comment: This sequence change replaces glutamic acid, which is acidic and polar, with valine, which is neutral and non-polar, at codon 279 of the APOA5 protein (p.Glu279Val). This variant is not present in population databases (gnomAD no frequency). This variant has not been reported in the literature in individuals affected with APOA5-related conditions. An algorithm developed to predict the effect of missense changes on protein structure and function (PolyPhen-2) suggests that this variant is likely to be tolerated. In summary, the available evidence is currently insufficient to determine the role of this variant in disease. Therefore, it has been classified as a Variant of Uncertain Significance.